The following is an entry in ClinVar:

ClinVar aggregate classification (germline): Uncertain significance (1 of 4 stars; one submission).

Conditions:
Noonan syndrome 9 (NS9). Identifiers: Orphanet 648, MedGen C4225282, MONDO:0014691, OMIM 616559.

Allele frequency attached by ClinVar (database versions not stated): gnomAD exomes below 0.00001.
gnomAD v4.1: 1 of 1,612,914 alleles (0.000062%); highest among the groups gnomAD compares: Non-Finnish European, 0.000085%; no homozygotes.

Submission:

Labcorp Genetics (formerly Invitae), Labcorp
Classification: Uncertain significance for Noonan syndrome 9. Last evaluated: 2026-01-27. Review status: criteria provided, single submitter. Criteria: Invitae Variant Classification Sherloc (09022015). Collection method: clinical testing. Allele origin: germline.
Comment: This sequence change replaces isoleucine, which is neutral and non-polar, with valine, which is neutral and non-polar, at codon 596 of the SOS2 protein (p.Ile596Val). This variant is not present in population databases (gnomAD no frequency). This variant has not been reported in the literature in individuals affected with SOS2-related conditions. ClinVar contains an entry for this variant (Variation ID: 2738546). Invitae Evidence Modeling of protein sequence and biophysical properties (such as structural, functional, and spatial information, amino acid conservation, physicochemical variation, residue mobility, and thermodynamic stability) indicates that this missense variant is not expected to disrupt SOS2 protein function with a negative predictive value of 95%. In summary, the available evidence is currently insufficient to determine the role of this variant in disease. Therefore, it has been classified as a Variant of Uncertain Significance.

NM_006939.4(SOS2):c.1786A>G (p.Ile596Val)

Gene: SOS2 (SOS Ras/Rho guanine nucleotide exchange factor 2; minus strand). Cytogenetic location: 14q21.3.
Variant type: single nucleotide variant.
Coding change: c.1786A>G on transcript NM_006939.4 (MANE Select); coding-DNA position 1786, A replaced by G.
Protein change: p.Ile596Val; replaces isoleucine 596 with valine.
Molecular consequence: missense variant.
Genome position (GRCh38, 1-based): chr14:50,159,497, T>C on the plus strand (A>G on the coding strand, the complement: SOS2 is on the minus strand). VCF-style: chr14-50159497-T-C. GRCh37 (hg19) VCF-style: chr14-50626215-T-C.
Other names: c.1687A>G, p.Ile563Val (NM_001411020.1); short protein forms I596V, I563V.
Identifiers: ClinVar variation 2738546 (VCV002738546.3), dbSNP rs2502987934, ClinGen allele CA389644972.